The following is an entry in ClinVar:

NM_206933.4(USH2A):c.1055C>G (p.Thr352Ser)

Gene: USH2A (usherin; minus strand). Cytogenetic location: 1q41.
Variant type: single nucleotide variant.
Coding change: c.1055C>G on transcript NM_206933.4 (MANE Select); coding-DNA position 1055, C replaced by G.
Protein change: p.Thr352Ser; replaces threonine 352 with serine.
Molecular consequence: missense variant.
Genome position (GRCh38, 1-based): chr1:216,325,393, G>C on the plus strand (C>G on the coding strand, the complement: USH2A is on the minus strand). VCF-style: chr1-216325393-G-C. GRCh37 (hg19) VCF-style: chr1-216498735-G-C.
Other names: c.1055C>G, p.Thr352Ser (NM_007123.6); short protein forms T352S.
Identifiers: ClinVar variation 2113088 (VCV002113088.4), dbSNP rs780308389, ClinGen allele CA344912352.

ClinVar aggregate classification (germline): Uncertain significance (1 of 4 stars; one submission).

Submission:

Labcorp Genetics (formerly Invitae), Labcorp
Classification: Uncertain significance. Last evaluated: 2022-03-16. Review status: criteria provided, single submitter. Criteria: Invitae Variant Classification Sherloc (09022015). Collection method: clinical testing. Allele origin: germline.
Comment: This sequence change replaces threonine, which is neutral and polar, with serine, which is neutral and polar, at codon 352 of the USH2A protein (p.Thr352Ser). This variant is not present in population databases (gnomAD no frequency). This variant has not been reported in the literature in individuals affected with USH2A-related conditions. Algorithms developed to predict the effect of missense changes on protein structure and function are either unavailable or do not agree on the potential impact of this missense change (SIFT: "Deleterious"; PolyPhen-2: "Probably Damaging"; Align-GVGD: "Class C0"). This variant disrupts the p.Thr352 amino acid residue in USH2A. Other variant(s) that disrupt this residue have been determined to be pathogenic (PMID: 17405132, 24498627, 25575603, 28653555, 29142287). This suggests that this residue is clinically significant, and that variants that disrupt this residue are likely to be disease-causing. In summary, the available evidence is currently insufficient to determine the role of this variant in disease. Therefore, it has been classified as a Variant of Uncertain Significance.

Literature cited by the submitters: PubMed 17405132; PubMed 24498627; PubMed 25575603; PubMed 28653555; PubMed 29142287.